The following is an entry in ClinVar:

ClinVar aggregate classification (germline): Uncertain significance (1 of 4 stars; one submission).

Conditions:
Epilepsy with generalized tonic-clonic seizures. Also called: Tonic-clonic epilepsy. Identifiers: Orphanet 698005, MedGen C0014549, MeSH D004830, MONDO:0005754.

Submission:

Clinical Genetics Laboratory, Skane University Hospital Lund
Classification: Uncertain significance for Epilepsy with generalized tonic-clonic seizures. Last evaluated: 2025-05-06. Review status: criteria provided, single submitter. Criteria: ACMG Guidelines, 2015. Collection method: clinical testing. Allele origin: germline. Affected: yes.
Comment: PM2, BP4

NM_001376.5(DYNC1H1):c.6341A>G (p.Glu2114Gly)

Gene: DYNC1H1 (dynein cytoplasmic 1 heavy chain 1; plus strand). Cytogenetic location: 14q32.31.
Variant type: single nucleotide variant.
Coding change: c.6341A>G on transcript NM_001376.5 (MANE Select); coding-DNA position 6341, A replaced by G.
Protein change: p.Glu2114Gly; replaces glutamic acid 2114 with glycine.
Molecular consequence: missense variant.
Genome position (GRCh38, 1-based): chr14:102,010,395, A>G. VCF-style: chr14-102010395-A-G. GRCh37 (hg19) VCF-style: chr14-102476732-A-G.
Other names: short protein forms E2114G.
Identifiers: ClinVar variation 3896751 (VCV003896751.1).